The following is an entry in ClinVar:

NM_006245.4(PPP2R5D):c.1315G>A (p.Ala439Thr)

Gene: PPP2R5D (protein phosphatase 2 regulatory subunit B'delta; plus strand). Cytogenetic location: 6p21.1.
Variant type: single nucleotide variant.
Coding change: c.1315G>A on transcript NM_006245.4 (MANE Select); coding-DNA position 1315, G replaced by A.
Protein change: p.Ala439Thr; replaces alanine 439 with threonine.
Molecular consequence: missense variant.
Genome position (GRCh38, 1-based): chr6:43,009,385, G>A. VCF-style: chr6-43009385-G-A. GRCh37 (hg19) VCF-style: chr6-42977123-G-A.
Other names: c.862G>A, p.Ala288Thr (NM_001270476.2); c.1219G>A, p.Ala407Thr (NM_180976.3); c.997G>A, p.Ala333Thr (NM_180977.3); short protein forms A288T, A333T, A407T, A439T.
Identifiers: ClinVar variation 3235859 (VCV003235859.1), dbSNP rs2532485280, ClinGen allele CA364194551.

ClinVar aggregate classification (germline): Uncertain significance (1 of 4 stars; one submission).

Submission:

Greenwood Genetic Center Diagnostic Laboratories, Greenwood Genetic Center
Classification: Uncertain significance. Last evaluated: 2024-01-26. Review status: criteria provided, single submitter. Criteria: ACMG Guidelines, 2015. Collection method: clinical testing. Allele origin: germline. Affected: yes.
Comment: PM2